The following is an entry in ClinVar:

ClinVar aggregate classification (germline): Uncertain significance. Review status: criteria provided, multiple submitters, no conflicts (2 of 4 stars). 4 submissions from 4 submitters: Uncertain significance (4). Last evaluated 2024-10-24.

Conditions:
Inborn genetic diseases. Identifiers: MedGen C0950123, MeSH D030342.
Methylcobalamin deficiency type cblG (HMAG). Also called: HOMOCYSTINURIA-MEGALOBLASTIC ANEMIA, cblG COMPLEMENTATION TYPE; HOMOCYSTINURIA-MEGALOBLASTIC ANEMIA DUE TO DEFECT IN COBALAMIN METABOLISM, cblG COMPLEMENTATION TYPE; HOMOCYSTINURIA-MEGALOBLASTIC ANEMIA, cblG TYPE; Functional methionine synthase deficiency type cblG. Identifiers: Orphanet 2170, Orphanet 622, MedGen C1855128, MONDO:0009609, OMIM 250940.

Allele frequency attached by ClinVar (database versions not stated): gnomAD 0.00002; TOPMed 0.00003; gnomAD exomes 0.00008 and 0.00009; ExAC 0.00011.
gnomAD v4.1: 124 of 1,613,616 alleles (0.0077%); highest among the groups gnomAD compares: East Asian, 0.022%; no homozygotes.

Submissions (4):

Labcorp Genetics (formerly Invitae), Labcorp
Classification: Uncertain significance for Methylcobalamin deficiency type cblG. Last evaluated: 2024-10-24. Review status: criteria provided, single submitter. Criteria: Invitae Variant Classification Sherloc (09022015). Collection method: clinical testing. Allele origin: germline.
Comment: This sequence change replaces threonine, which is neutral and polar, with methionine, which is neutral and non-polar, at codon 300 of the MTR protein (p.Thr300Met). This variant is present in population databases (rs201871910, gnomAD 0.01%). This variant has not been reported in the literature in individuals affected with MTR-related conditions. ClinVar contains an entry for this variant (Variation ID: 572316). Invitae Evidence Modeling of protein sequence and biophysical properties (such as structural, functional, and spatial information, amino acid conservation, physicochemical variation, residue mobility, and thermodynamic stability) has been performed for this missense variant. However, the output from this modeling did not meet the statistical confidence thresholds required to predict the impact of this variant on MTR protein function. In summary, the available evidence is currently insufficient to determine the role of this variant in disease. Therefore, it has been classified as a Variant of Uncertain Significance.

Ambry Genetics
Classification: Uncertain significance for Inborn genetic diseases. Last evaluated: 2023-11-22. Review status: criteria provided, single submitter. Criteria: Ambry Variant Classification Scheme 2023. Collection method: clinical testing. Allele origin: germline.

GeneDx
Classification: Uncertain significance. Last evaluated: 2022-10-08. Review status: criteria provided, single submitter. Criteria: GeneDx Variant Classification Process June 2021. Collection method: clinical testing. Allele origin: germline. Affected: yes.
Comment: Not observed at significant frequency in large population cohorts (gnomAD); In silico analysis supports that this missense variant has a deleterious effect on protein structure/function; Has not been previously published as pathogenic or benign to our knowledge

Breakthrough Genomics
Classification: Uncertain significance. Review status: criteria provided, single submitter. Criteria: ACMG Guidelines, 2015. Collection method: not provided. Allele origin: germline. Inheritance: Autosomal recessive inheritance. Affected: yes.

NM_000254.3(MTR):c.899C>T (p.Thr300Met)

Gene: MTR (5-methyltetrahydrofolate-homocysteine methyltransferase; plus strand). Cytogenetic location: 1q43.
Variant type: single nucleotide variant.
Coding change: c.899C>T on transcript NM_000254.3 (MANE Select); coding-DNA position 899, C replaced by T.
Protein change: p.Thr300Met; replaces threonine 300 with methionine.
Molecular consequence: missense variant. On other transcripts: 5 prime UTR variant (1).
Genome position (GRCh38, 1-based): chr1:236,825,371, C>T. VCF-style: chr1-236825371-C-T. GRCh37 (hg19) VCF-style: chr1-236988671-C-T.
Other names: c.899C>T, p.Thr300Met (NM_001291939.1); c.-210C>T (NM_001291940.2); short protein forms T300M.
Identifiers: ClinVar variation 572316 (VCV000572316.9), dbSNP rs201871910, ClinGen allele CA1473921.